The following is an entry in ClinVar:

NM_004393.6(DAG1):c.1705C>T (p.His569Tyr)

Gene: DAG1 (dystroglycan 1; plus strand). Cytogenetic location: 3p21.31.
Variant type: single nucleotide variant.
Coding change: c.1705C>T on transcript NM_004393.6 (MANE Select); coding-DNA position 1705, C replaced by T.
Protein change: p.His569Tyr; replaces histidine 569 with tyrosine.
Molecular consequence: missense variant.
Genome position (GRCh38, 1-based): chr3:49,532,216, C>T. VCF-style: chr3-49532216-C-T. GRCh37 (hg19) VCF-style: chr3-49569649-C-T.
Other names: c.1705C>T, p.His569Tyr (NM_001165928.4, NM_001177634.3, NM_001177635.3 and 9 more transcripts); short protein forms H569Y.
Identifiers: ClinVar variation 571881 (VCV000571881.7), dbSNP rs1559579950, ClinGen allele CA352795969.

ClinVar aggregate classification (germline): Uncertain significance (1 of 4 stars; one submission).

Conditions:
Muscular dystrophy-dystroglycanopathy (congenital with brain and eye anomalies), type A9. Also called: WALKER-WARBURG SYNDROME OR MUSCLE-EYE BRAIN DISEASE, DAG1-RELATED; Muscular dystrophy-dystroglycanopathy (congenital with brain and eye anomalies), type a, 9. Identifiers: Orphanet 370997, Orphanet 899, MedGen C4225291, MONDO:0014683, OMIM 616538.
Autosomal recessive limb-girdle muscular dystrophy type 2P. Also called: MUSCULAR DYSTROPHY-DYSTROGLYCANOPATHY, LIMB-GIRDLE, DAG1-RELATED; Limb-Girdle Muscular Dystrophy Type 9C; MUSCULAR DYSTROPHY, LIMB-GIRDLE, TYPE 2P. Identifiers: Orphanet 280333, MedGen C4511963, MONDO:0013440, OMIM 613818.

gnomAD v4.1: 1 of 1,614,098 alleles (0.000062%); highest among the groups gnomAD compares: Non-Finnish European, 0.000085%; no homozygotes.

Submission:

Labcorp Genetics (formerly Invitae), Labcorp
Classification: Uncertain significance for Autosomal recessive limb-girdle muscular dystrophy type 2P; Muscular dystrophy-dystroglycanopathy (congenital with brain and eye anomalies), type A9. Last evaluated: 2018-03-07. Review status: criteria provided, single submitter. Criteria: Invitae Variant Classification Sherloc (09022015). Collection method: clinical testing. Allele origin: germline.
Comment: Algorithms developed to predict the effect of missense changes on protein structure and function do not agree on the potential impact of this missense change (SIFT: "Deleterious"; PolyPhen-2: "Possibly Damaging"; Align-GVGD: "Class C0"). In summary, the available evidence is currently insufficient to determine the role of this variant in disease. Therefore, it has been classified as a Variant of Uncertain Significance. This variant is not present in population databases (ExAC no frequency). This sequence change replaces histidine with tyrosine at codon 569 of the DAG1 protein (p.His569Tyr). The histidine residue is moderately conserved and there is a moderate physicochemical difference between histidine and tyrosine. This variant has not been reported in the literature in individuals with DAG1-related disease.